The following is an entry in ClinVar:

NM_138927.4(SON):c.3785C>T (p.Thr1262Ile)

Gene: SON (SON DNA and RNA binding protein; plus strand). Cytogenetic location: 21q22.11.
Variant type: single nucleotide variant.
Coding change: c.3785C>T on transcript NM_138927.4 (MANE Select); coding-DNA position 3785, C replaced by T.
Protein change: p.Thr1262Ile; replaces threonine 1262 with isoleucine.
Molecular consequence: missense variant. On other transcripts: non-coding transcript variant (1), intron variant (1).
Genome position (GRCh38, 1-based): chr21:33,553,016, C>T. VCF-style: chr21-33553016-C-T. GRCh37 (hg19) VCF-style: chr21-34925322-C-T.
Other names: c.3785C>T, p.Thr1262Ile (NM_001291411.2, NM_032195.3); c.245-4140C>T (NM_001291412.3); c.3785C>T (NM_138927.1); short protein forms T1262I.
Identifiers: ClinVar variation 1325586 (VCV001325586.31), dbSNP rs144772325, ClinGen allele CA10009378.

ClinVar aggregate classification (germline): Conflicting classifications of pathogenicity. Review status: criteria provided, conflicting classifications (1 of 4 stars). 5 submissions from 5 submitters: Uncertain significance (2); Likely benign (2). 1 of the submissions does not count toward it. Last evaluated 2026-03-30.

Conditions:
SON-related disorder. Also called: SON-related condition.
ZTTK syndrome (ZTTKS). Also called: Zhu-Tokita-Takenouchi-Kim Syndrome; ZTTK MULTIPLE CONGENITAL ANOMALIES-MENTAL RETARDATION SYNDROME. Identifiers: Orphanet 500150, MedGen C4310696, MONDO:0014936, OMIM 617140.
Inborn genetic diseases. Identifiers: MedGen C0950123, MeSH D030342.

Allele frequency attached by ClinVar (database versions not stated): ExAC 0.00001; gnomAD exomes 0.00001 and 0.00002; ESP Exome Variant Server 0.00008; gnomAD 0.00010 and 0.00011; TOPMed 0.00012.
gnomAD v4.1: 38 of 1,614,062 alleles (0.0024%); highest among the groups gnomAD compares: African/African-American, 0.047%; no homozygotes.

Submissions (5):

Ambry Genetics
Classification: Likely benign for Inborn genetic diseases. Last evaluated: 2026-03-30. Review status: criteria provided, single submitter. Criteria: Ambry Variant Classification Scheme 2023. Collection method: clinical testing. Allele origin: germline.

CeGaT Center for Human Genetics Tuebingen
Classification: Likely benign. Last evaluated: 2024-04-01. Review status: criteria provided, single submitter. Criteria: CeGaT Center For Human Genetics Tuebingen Variant Classification Criteria Version 2. Collection method: clinical testing. Allele origin: germline. Affected: yes. Observed: 1 variant allele.
Comment: SON: BP4

Labcorp Genetics (formerly Invitae), Labcorp
Classification: Uncertain significance. Last evaluated: 2020-11-10. Review status: criteria provided, single submitter. Criteria: Invitae Variant Classification Sherloc (09022015). Collection method: clinical testing. Allele origin: germline.
Comment: In summary, the available evidence is currently insufficient to determine the role of this variant in disease. Therefore, it has been classified as a Variant of Uncertain Significance. Algorithms developed to predict the effect of missense changes on protein structure and function output the following: SIFT: "Deleterious"; PolyPhen-2: "Benign"; Align-GVGD: "Class C0". The isoleucine amino acid residue is found in multiple mammalian species, suggesting that this missense change does not adversely affect protein function. These predictions have not been confirmed by published functional studies and their clinical significance is uncertain. This variant has not been reported in the literature in individuals with SON-related conditions. This variant is present in population databases (rs144772325, ExAC 0.01%). This sequence change replaces threonine with isoleucine at codon 1262 of the SON protein (p.Thr1262Ile). The threonine residue is weakly conserved and there is a moderate physicochemical difference between threonine and isoleucine.

New York Genome Center
Classification: Uncertain significance for ZTTK syndrome. Last evaluated: 2020-04-30. Review status: criteria provided, single submitter. Criteria: NYGC Assertion Criteria 2020. Collection method: clinical testing. Allele origin: germline. Observed: 1 heterozygote. Study: CSER-NYCKidSeq.

PreventionGenetics, part of Exact Sciences
Classification: Uncertain significance for SON-related condition. Last evaluated: 2023-12-31. Review status: no assertion criteria provided. Collection method: clinical testing. Allele origin: germline. Not counted in ClinVar's aggregate classification.
Comment: The SON c.3785C>T variant is predicted to result in the amino acid substitution p.Thr1262Ile. To our knowledge, this variant has not been reported in the literature. This variant is reported in 0.037% of alleles in individuals of African descent in gnomAD. Although we suspect that this variant may be benign, at this time, the clinical significance of this variant is uncertain due to the absence of conclusive functional and genetic evidence.